The following is an entry in ClinVar:

NM_007294.4(BRCA1):c.5194-22G>T

Gene: BRCA1 (BRCA1 DNA repair associated; minus strand). Cytogenetic location: 17q21.31.
Variant type: single nucleotide variant.
Coding change: c.5194-22G>T on transcript NM_007294.4 (MANE Select); 22 bases into the intron before coding-DNA position 5194, G replaced by T.
Molecular consequence: intron variant.
Genome position (GRCh38, 1-based): chr17:43,057,157, C>A on the plus strand (G>T on the coding strand, the complement: BRCA1 is on the minus strand). VCF-style: chr17-43057157-C-A. GRCh37 (hg19) VCF-style: chr17-41209174-C-A.
Other names: c.1741-22G>T (NM_001408458.1, NM_001408461.1, NM_001408464.1 and 7 more transcripts); c.4303-22G>T (NM_001407967.1); c.4813-22G>T (NM_001407959.1); c.4927-22G>T (NM_001407931.1, NM_001407932.1, NM_001407928.1 and 4 more transcripts); c.5050-22G>T (NM_001407747.1, NM_001407745.1, NM_001407737.1 and 21 more transcripts); c.4810-22G>T (NM_001407962.1, NM_001407960.1); c.1381-22G>T (NM_001408512.1); c.1504-22G>T (NM_001408510.1); and 72 more.
Identifiers: ClinVar variation 3347358 (VCV003347358.1).

ClinVar aggregate classification (germline): Likely benign (0 of 4 stars; one submission).

Conditions:
BRCA1-related disorder. Also called: BRCA1-related condition.

Submission:

PreventionGenetics, part of Exact Sciences
Classification: Likely benign for BRCA1-related condition. Last evaluated: 2024-07-30. Review status: no assertion criteria provided. Collection method: clinical testing. Allele origin: germline.
Comment: This variant is classified as likely benign based on ACMG/AMP sequence variant interpretation guidelines (Richards et al. 2015 PMID: 25741868, with internal and published modifications).